The following is an entry in ClinVar:

ClinVar aggregate classification (germline): Uncertain significance. Review status: criteria provided, multiple submitters, no conflicts (2 of 4 stars). 2 submissions from 2 submitters: Uncertain significance (2). Last evaluated 2025-04-09.

Conditions:
FBLN5-related disorder. Also called: FBLN5-related condition.

Allele frequency attached by ClinVar (database versions not stated): TOPMed 0.00001.
gnomAD v4.1: 4 of 1,613,974 alleles (0.00025%); highest among the groups gnomAD compares: Admixed American, 0.005%; no homozygotes.

Submissions (2):

Labcorp Genetics (formerly Invitae), Labcorp
Classification: Uncertain significance. Last evaluated: 2025-04-09. Review status: criteria provided, single submitter. Criteria: Invitae Variant Classification Sherloc (09022015). Collection method: clinical testing. Allele origin: germline.
Comment: This sequence change replaces threonine, which is neutral and polar, with serine, which is neutral and polar, at codon 86 of the FBLN5 protein (p.Thr86Ser). This variant is present in population databases (no rsID available, gnomAD 0.003%). This variant has not been reported in the literature in individuals affected with FBLN5-related conditions. ClinVar contains an entry for this variant (Variation ID: 2152214). An algorithm developed to predict the effect of missense changes on protein structure and function (PolyPhen-2) suggests that this variant is likely to be tolerated. In summary, the available evidence is currently insufficient to determine the role of this variant in disease. Therefore, it has been classified as a Variant of Uncertain Significance.

PreventionGenetics, part of Exact Sciences
Classification: Uncertain significance for FBLN5-related condition. Last evaluated: 2022-11-03. Review status: criteria provided, single submitter. Criteria: ACMG Guidelines, 2015. Collection method: clinical testing. Allele origin: germline.
Comment: The FBLN5 c.257C>G variant is predicted to result in the amino acid substitution p.Thr86Ser. This variant was reported to occur de novo in an individual with autism spectrum disorder; however, additional support for pathogenicity was not reported (Supp. Table 1 Kosmicki et al 2017. PubMed ID: 28191890; Lim ET et al 2017. PubMed ID: 28714951). This variant is reported in 0.0029% of alleles in individuals of Latino descent in gnomAD. At this time, the clinical significance of this variant is uncertain due to the absence of conclusive functional and genetic evidence.

NM_006329.4(FBLN5):c.257C>G (p.Thr86Ser)

Gene: FBLN5 (fibulin 5; minus strand). Cytogenetic location: 14q32.12.
Variant type: single nucleotide variant.
Coding change: c.257C>G on transcript NM_006329.4 (MANE Select); coding-DNA position 257, C replaced by G.
Protein change: p.Thr86Ser; replaces threonine 86 with serine.
Molecular consequence: missense variant.
Genome position (GRCh38, 1-based): chr14:91,937,069, G>C on the plus strand (C>G on the coding strand, the complement: FBLN5 is on the minus strand). VCF-style: chr14-91937069-G-C. GRCh37 (hg19) VCF-style: chr14-92403413-G-C.
Other names: c.380C>G, p.Thr127Ser (NM_001384158.1); c.308C>G, p.Thr103Ser (NM_001384159.1); c.257C>G, p.Thr86Ser (NM_001384160.1); c.89C>G, p.Thr30Ser (NM_001384161.1, NM_001384162.1); short protein forms T86S, T103S, T127S, T30S.
Identifiers: ClinVar variation 2152214 (VCV002152214.5), dbSNP rs1566828609, ClinGen allele CA390639851.